The following is an entry in ClinVar:

NM_005045.4(RELN):c.6523+293T>C

Gene: RELN (reelin; minus strand). Cytogenetic location: 7q22.1.
Variant type: single nucleotide variant.
Coding change: c.6523+293T>C on transcript NM_005045.4 (MANE Select); 293 bases into the intron after coding-DNA position 6523, T replaced by C.
Molecular consequence: intron variant.
Genome position (GRCh38, 1-based): chr7:103,544,831, A>G on the plus strand (T>C on the coding strand, the complement: RELN is on the minus strand). VCF-style: chr7-103544831-A-G. GRCh37 (hg19) VCF-style: chr7-103185278-A-G.
Other names: c.6523+293T>C (NM_173054.3).
Identifiers: ClinVar variation 671071 (VCV000671071.1), dbSNP rs362762, ClinGen allele CA163946224.
Genomic context (GRCh38, chr7:103,544,831, plus strand): 5'-AAGCAGTAACAGGAATTTATATTTCTGGAAACCCTTCCATCCAAGATTAAGTCTCTATAG[A>G]TATATTCTAAAATTGTCATTAGGCAGAAATTACATGTGGTAGAAAAAGTTGTGAACACAG-3'

ClinVar aggregate classification (germline): Benign (1 of 4 stars; one submission).

Allele frequency attached by ClinVar (database versions not stated): gnomAD 0.05231 and 0.05622; TOPMed 0.05616; 1000 Genomes Project 30x 0.08417; 1000 Genomes Project 0.08526.
gnomAD v4.1: 8,588 of 152,244 alleles (5.6%); highest among the groups gnomAD compares: South Asian, 15%; 280 homozygotes.

Submission:

GeneDx
Classification: Benign. Last evaluated: 2018-06-14. Review status: criteria provided, single submitter. Criteria: GeneDx Variant Classification (06012015). Collection method: clinical testing. Allele origin: germline. Affected: yes.
Comment: This variant is considered likely benign or benign based on one or more of the following criteria: it is a conservative change, it occurs at a poorly conserved position in the protein, it is predicted to be benign by multiple in silico algorithms, and/or has population frequency not consistent with disease.